The following is an entry in ClinVar:

NM_000064.4(C3):c.1905C>T (p.Tyr635=)

Gene: C3 (complement C3; minus strand). Cytogenetic location: 19p13.3.
Variant type: single nucleotide variant.
Coding change: c.1905C>T on transcript NM_000064.4 (MANE Select); coding-DNA position 1905, C replaced by T.
Protein change: p.Tyr635=; no amino-acid change (tyrosine 635 retained).
Molecular consequence: synonymous variant.
Genome position (GRCh38, 1-based): chr19:6,707,870, G>A on the plus strand (C>T on the coding strand, the complement: C3 is on the minus strand). VCF-style: chr19-6707870-G-A. GRCh37 (hg19) VCF-style: chr19-6707881-G-A.
Identifiers: ClinVar variation 1585953 (VCV001585953.17), dbSNP rs372345409, ClinGen allele CA9129279.

ClinVar aggregate classification (germline): Likely benign. Review status: criteria provided, multiple submitters, no conflicts (2 of 4 stars). 3 submissions from 3 submitters: Likely benign (3). Last evaluated 2025-08-01.

Allele frequency attached by ClinVar (database versions not stated): gnomAD 0.00004; ExAC 0.00005; TOPMed 0.00005; gnomAD exomes 0.00006 and 0.00013; ESP Exome Variant Server 0.00008.
gnomAD v4.1: 186 of 1,613,888 alleles (0.012%); highest among the groups gnomAD compares: Non-Finnish European, 0.015%; no homozygotes.

Submissions (3):

CeGaT Center for Human Genetics Tuebingen
Classification: Likely benign. Last evaluated: 2025-08-01. Review status: criteria provided, single submitter. Criteria: CeGaT Center For Human Genetics Tuebingen Variant Classification Criteria Version 2. Collection method: clinical testing. Allele origin: germline. Affected: yes. Observed: 1 variant allele.
Comment: C3: BP4, BP7

Labcorp Genetics (formerly Invitae), Labcorp
Classification: Likely benign. Last evaluated: 2025-07-21. Review status: criteria provided, single submitter. Criteria: Invitae Variant Classification Sherloc (09022015). Collection method: clinical testing. Allele origin: germline.

Blueprint Genetics
Classification: Likely benign. Last evaluated: 2023-09-20. Review status: criteria provided, single submitter. Criteria: ACMG Guidelines, 2015. Collection method: clinical testing. Allele origin: germline.